The following is an entry in ClinVar:

NM_198576.4(AGRN):c.4497C>T (p.Pro1499=)

Gene: AGRN (agrin; plus strand). Cytogenetic location: 1p36.33.
Variant type: single nucleotide variant.
Coding change: c.4497C>T on transcript NM_198576.4 (MANE Select); coding-DNA position 4497, C replaced by T.
Protein change: p.Pro1499=; no amino-acid change (proline 1499 retained).
Molecular consequence: synonymous variant.
Genome position (GRCh38, 1-based): chr1:1,049,434, C>T. VCF-style: chr1-1049434-C-T. GRCh37 (hg19) VCF-style: chr1-984814-C-T.
Other names: c.4497C>T, p.Pro1499= (NM_001305275.2); c.4182C>T, p.Pro1394= (NM_001364727.2).
Identifiers: ClinVar variation 1945529 (VCV001945529.29), dbSNP rs570742550, ClinGen allele CA16700581.

ClinVar aggregate classification (germline): Likely benign. Review status: criteria provided, multiple submitters, no conflicts (2 of 4 stars). 2 submissions from 2 submitters: Likely benign (2). Last evaluated 2024-12-31.

Conditions:
Congenital myasthenic syndrome 8. Also called: Myasthenic syndrome, congenital, 8, with pre- and postsynaptic defects; MYASTHENIC SYNDROME, CONGENITAL, DUE TO AGRIN DEFICIENCY. Identifiers: Orphanet 590, MedGen C3808739, MONDO:0014052, OMIM 615120.

gnomAD v4.1: 18 of 1,599,430 alleles (0.0011%); highest among the groups gnomAD compares: Middle Eastern, 0.017%; no homozygotes.

Submissions (2):

Labcorp Genetics (formerly Invitae), Labcorp
Classification: Likely benign for Congenital myasthenic syndrome 8. Last evaluated: 2024-12-31. Review status: criteria provided, single submitter. Criteria: Invitae Variant Classification Sherloc (09022015). Collection method: clinical testing. Allele origin: germline.

CeGaT Center for Human Genetics Tuebingen
Classification: Likely benign. Last evaluated: 2022-10-01. Review status: criteria provided, single submitter. Criteria: CeGaT Center For Human Genetics Tuebingen Variant Classification Criteria Version 2. Collection method: clinical testing. Allele origin: germline. Affected: yes. Observed: 1 variant allele.
Comment: AGRN: BP4, BP7